The following is an entry in ClinVar:

ClinVar aggregate classification (germline): Uncertain significance (1 of 4 stars; one submission).

Allele frequency attached by ClinVar (database versions not stated): gnomAD exomes 0.00004; TOPMed 0.00009; gnomAD 0.00007; ExAC 0.00003.
gnomAD v4.1: 68 of 1,590,494 alleles (0.0043%); highest among the groups gnomAD compares: African/African-American, 0.011%; 1 homozygote.

Submission:

Labcorp Genetics (formerly Invitae), Labcorp
Classification: Uncertain significance. Last evaluated: 2025-06-01. Review status: criteria provided, single submitter. Criteria: Invitae Variant Classification Sherloc (09022015). Collection method: clinical testing. Allele origin: germline.
Comment: This sequence change replaces arginine, which is basic and polar, with glutamine, which is neutral and polar, at codon 636 of the SIRT1 protein (p.Arg636Gln). This variant is present in population databases (rs771135356, gnomAD 0.01%). This variant has not been reported in the literature in individuals affected with SIRT1-related conditions. ClinVar contains an entry for this variant (Variation ID: 2719327). An algorithm developed to predict the effect of missense changes on protein structure and function (PolyPhen-2) suggests that this variant is likely to be disruptive. In summary, the available evidence is currently insufficient to determine the role of this variant in disease. Therefore, it has been classified as a Variant of Uncertain Significance.

NM_012238.5(SIRT1):c.1907G>A (p.Arg636Gln)

Gene: SIRT1 (sirtuin 1; plus strand). Cytogenetic location: 10q21.3.
Variant type: single nucleotide variant.
Coding change: c.1907G>A on transcript NM_012238.5 (MANE Select); coding-DNA position 1907, G replaced by A.
Protein change: p.Arg636Gln; replaces arginine 636 with glutamine.
Molecular consequence: missense variant.
Genome position (GRCh38, 1-based): chr10:67,913,023, G>A. VCF-style: chr10-67913023-G-A. GRCh37 (hg19) VCF-style: chr10-69672780-G-A.
Other names: c.1022G>A, p.Arg341Gln (NM_001142498.2); c.998G>A, p.Arg333Gln (NM_001314049.2); short protein forms R636Q, R333Q, R341Q.
Identifiers: ClinVar variation 2719327 (VCV002719327.3), dbSNP rs771135356, ClinGen allele CA5521353.